The following is an entry in ClinVar:

ClinVar aggregate classification (germline): Uncertain significance. Review status: criteria provided, multiple submitters, no conflicts (2 of 4 stars). 2 submissions from 2 submitters: Uncertain significance (2). Last evaluated 2024-10-03.

gnomAD v4.1: 32 of 1,613,168 alleles (0.002%); highest among the groups gnomAD compares: African/African-American, 0.028%; no homozygotes.

Submissions (2):

Labcorp Genetics (formerly Invitae), Labcorp
Classification: Uncertain significance. Last evaluated: 2024-10-03. Review status: criteria provided, single submitter. Criteria: Invitae Variant Classification Sherloc (09022015). Collection method: clinical testing. Allele origin: germline.
Comment: This sequence change replaces alanine, which is neutral and non-polar, with valine, which is neutral and non-polar, at codon 104 of the ATP4A protein (p.Ala104Val). This variant is present in population databases (rs140330053, gnomAD 0.03%). This variant has not been reported in the literature in individuals affected with ATP4A-related conditions. Invitae Evidence Modeling of protein sequence and biophysical properties (such as structural, functional, and spatial information, amino acid conservation, physicochemical variation, residue mobility, and thermodynamic stability) indicates that this missense variant is not expected to disrupt ATP4A protein function with a negative predictive value of 80%. In summary, the available evidence is currently insufficient to determine the role of this variant in disease. Therefore, it has been classified as a Variant of Uncertain Significance.

Ambry Genetics
Classification: Uncertain significance. Last evaluated: 2024-03-25. Review status: criteria provided, single submitter. Criteria: Ambry Variant Classification Scheme 2023. Collection method: clinical testing. Allele origin: germline.

NM_000704.3(ATP4A):c.311C>T (p.Ala104Val)

Gene: ATP4A (ATPase H+/K+ transporting subunit alpha; minus strand). Cytogenetic location: 19q13.12.
Variant type: single nucleotide variant.
Coding change: c.311C>T on transcript NM_000704.3 (MANE Select); coding-DNA position 311, C replaced by T.
Protein change: p.Ala104Val; replaces alanine 104 with valine.
Molecular consequence: missense variant.
Genome position (GRCh38, 1-based): chr19:35,562,544, G>A on the plus strand (C>T on the coding strand, the complement: ATP4A is on the minus strand). VCF-style: chr19-35562544-G-A. GRCh37 (hg19) VCF-style: chr19-36053446-G-A.
Other names: short protein forms A104V.
Identifiers: ClinVar variation 3329196 (VCV003329196.3).